The following is an entry in ClinVar:

NM_001375405.1(CEP120):c.1493G>A (p.Arg498Gln)

Gene: CEP120 (centrosomal protein 120; minus strand). Cytogenetic location: 5q23.2.
Variant type: single nucleotide variant.
Coding change: c.1493G>A on transcript NM_001375405.1 (MANE Select); coding-DNA position 1493, G replaced by A.
Protein change: p.Arg498Gln; replaces arginine 498 with glutamine.
Molecular consequence: missense variant. On other transcripts: non-coding transcript variant (1).
Genome position (GRCh38, 1-based): chr5:123,386,605, C>T on the plus strand (G>A on the coding strand, the complement: CEP120 is on the minus strand). VCF-style: chr5-123386605-C-T. GRCh37 (hg19) VCF-style: chr5-122722299-C-T.
Other names: c.1415G>A, p.Arg472Gln (NM_001166226.2); c.1358G>A, p.Arg453Gln (NM_001375406.1); c.1493G>A, p.Arg498Gln (NM_001375407.1, NM_153223.4); c.920G>A, p.Arg307Gln (NM_001375408.1, NM_001375409.1); short protein forms R453Q, R307Q, R472Q, R498Q.
Identifiers: ClinVar variation 1450602 (VCV001450602.6), dbSNP rs764318008, ClinGen allele CA3386940.
Genomic context (GRCh38, chr5:123,386,605, plus strand): 5'-GGCATAGTTGCAAAATCAAATGCACAGTAAGACTGGGGAAGAAAAACTTCCATGTTTTTC[C>T]GAACTTCTACAGGAGGATTAGTCATAATAGGAGCTGCACTTCCAAAGAATGGATATGAGT-3'
Protein context (NP_001362334.1, residues 488-508): PIMTNPPVEV[Arg498Gln]KNMEVFLPQS

ClinVar aggregate classification (germline): Uncertain significance (1 of 4 stars; one submission).

Conditions:
Short-rib thoracic dysplasia 13 with or without polydactyly (SRTD13). Identifiers: Orphanet 474, MedGen C4225378, MONDO:0014577, OMIM 616300.

Allele frequency attached by ClinVar (database versions not stated): ExAC 0.00001; gnomAD 0.00002 and 0.00003; gnomAD exomes 0.00002.
gnomAD v4.1: 19 of 1,584,300 alleles (0.0012%); highest among the groups gnomAD compares: South Asian, 0.0045%; no homozygotes.

Submission:

Labcorp Genetics (formerly Invitae), Labcorp
Classification: Uncertain significance for Short-rib thoracic dysplasia 13 with or without polydactyly. Last evaluated: 2021-08-16. Review status: criteria provided, single submitter. Criteria: Invitae Variant Classification Sherloc (09022015). Collection method: clinical testing. Allele origin: germline.
Comment: This variant is present in population databases (rs764318008, ExAC 0.006%). This sequence change replaces arginine with glutamine at codon 498 of the CEP120 protein (p.Arg498Gln). The arginine residue is highly conserved and there is a small physicochemical difference between arginine and glutamine. This variant has not been reported in the literature in individuals affected with CEP120-related conditions. Algorithms developed to predict the effect of missense changes on protein structure and function (SIFT, PolyPhen-2, Align-GVGD) all suggest that this variant is likely to be tolerated. In summary, the available evidence is currently insufficient to determine the role of this variant in disease. Therefore, it has been classified as a Variant of Uncertain Significance.